The following is an entry in ClinVar:

ClinVar aggregate classification (germline): Uncertain significance. Review status: criteria provided, single submitter (1 of 4 stars). 2 submissions from 2 submitters: Uncertain significance (1). 1 of the submissions does not count toward it. Last evaluated 2024-04-05.

Conditions:
Retinitis pigmentosa 25 (RP25). Identifiers: Orphanet 791, MedGen C1864446, MONDO:0011272, OMIM 602772.

gnomAD v4.1: 6 of 1,551,556 alleles (0.00039%); highest among the groups gnomAD compares: Non-Finnish European, 0.00052%; no homozygotes.

Submissions (2):

Labcorp Genetics (formerly Invitae), Labcorp
Classification: Uncertain significance. Last evaluated: 2024-04-05. Review status: criteria provided, single submitter. Criteria: Invitae Variant Classification Sherloc (09022015). Collection method: clinical testing. Allele origin: germline.
Comment: This sequence change replaces alanine, which is neutral and non-polar, with valine, which is neutral and non-polar, at codon 2099 of the EYS protein (p.Ala2099Val). This variant is not present in population databases (gnomAD no frequency). This variant has not been reported in the literature in individuals affected with EYS-related conditions. ClinVar contains an entry for this variant (Variation ID: 1057733). Algorithms developed to predict the effect of missense changes on protein structure and function output the following: SIFT: "Not Available"; PolyPhen-2: "Benign"; Align-GVGD: "Not Available". The valine amino acid residue is found in multiple mammalian species, which suggests that this missense change does not adversely affect protein function. In summary, the available evidence is currently insufficient to determine the role of this variant in disease. Therefore, it has been classified as a Variant of Uncertain Significance.

Natera, Inc.
Classification: Uncertain significance for Retinitis pigmentosa type 25. Last evaluated: 2021-07-15. Review status: no assertion criteria provided. Collection method: clinical testing. Allele origin: germline. Not counted in ClinVar's aggregate classification.

NM_001142800.2(EYS):c.6296C>T (p.Ala2099Val)

Gene: EYS (EGF-like photoreceptor maintenance factor; minus strand). Cytogenetic location: 6q12.
Variant type: single nucleotide variant.
Coding change: c.6296C>T on transcript NM_001142800.2 (MANE Select); coding-DNA position 6296, C replaced by T.
Protein change: p.Ala2099Val; replaces alanine 2099 with valine.
Molecular consequence: missense variant.
Genome position (GRCh38, 1-based): chr6:64,230,720, G>A on the plus strand (C>T on the coding strand, the complement: EYS is on the minus strand). VCF-style: chr6-64230720-G-A. GRCh37 (hg19) VCF-style: chr6-64940613-G-A.
Other names: c.6296C>T, p.Ala2099Val (NM_001292009.2); short protein forms A2099V.
Identifiers: ClinVar variation 1057733 (VCV001057733.9), dbSNP rs2150337999, ClinGen allele CA364391416.